The following is an entry in ClinVar:

ClinVar aggregate classification (germline): Uncertain significance (1 of 4 stars; one submission).

gnomAD v4.1: 18 of 1,613,906 alleles (0.0011%); highest among the groups gnomAD compares: South Asian, 0.0044%; no homozygotes.

Submission:

Ambry Genetics
Classification: Uncertain significance. Last evaluated: 2024-12-09. Review status: criteria provided, single submitter. Criteria: Ambry Variant Classification Scheme 2023. Collection method: clinical testing. Allele origin: germline.
Comment: The p.V417M variant (also known as c.1249G>A), located in coding exon 8 of the ATRIP gene, results from a G to A substitution at nucleotide position 1249. The valine at codon 417 is replaced by methionine, an amino acid with highly similar properties. This amino acid position is conserved. In addition, this alteration is predicted to be tolerated by in silico analysis. Based on the available evidence, the clinical significance of this variant remains unclear.

NM_130384.3(ATRIP):c.1249G>A (p.Val417Met)

Genes: ATRIP (ATR interacting protein; plus strand), ATRIP-TREX1 (ATRIP-TREX1 readthrough; plus strand). Cytogenetic location: 3p21.31.
Variant type: single nucleotide variant.
Coding change: c.1249G>A on transcript NM_130384.3 (MANE Select); coding-DNA position 1249, G replaced by A.
Protein change: p.Val417Met; replaces valine 417 with methionine.
Molecular consequence: missense variant. On other transcripts: non-coding transcript variant (1).
Genome position (GRCh38, 1-based): chr3:48,460,303, G>A. VCF-style: chr3-48460303-G-A. GRCh37 (hg19) VCF-style: chr3-48501702-G-A.
Other names: c.868G>A, p.Val290Met (NM_001271022.2); c.970G>A, p.Val324Met (NM_001271023.2); c.1249G>A, p.Val417Met (NM_032166.4); short protein forms V324M, V417M, V290M.
Identifiers: ClinVar variation 3465283 (VCV003465283.1).